The following is an entry in ClinVar:

NM_004656.4(BAP1):c.216T>G (p.Ile72Met)

Gene: BAP1 (BRCA1 associated deubiquitinase 1; minus strand). Cytogenetic location: 3p21.1.
Variant type: single nucleotide variant.
Coding change: c.216T>G on transcript NM_004656.4 (MANE Select); coding-DNA position 216, T replaced by G.
Protein change: p.Ile72Met; replaces isoleucine 72 with methionine.
Molecular consequence: missense variant.
Genome position (GRCh38, 1-based): chr3:52,408,513, A>C on the plus strand (T>G on the coding strand, the complement: BAP1 is on the minus strand). VCF-style: chr3-52408513-A-C. GRCh37 (hg19) VCF-style: chr3-52442529-A-C.
Other names: c.216T>G, p.Ile72Met (NM_001410772.1); short protein forms I72M.
Identifiers: ClinVar variation 4771655 (VCV004771655.1).
Genomic context (GRCh38, chr3:52,408,513, plus strand): 5'-AAAGCACAGAGTCCAGCAGACCTGGTGGGCAAAGAACATGTTATTCACAATATCATCATC[A>C]ATCACGGACGTATCATCCACCAAGGTAGAGACCTTTCGCCGGGACCGGCGCTCTTCGATC-3'
Protein context (NP_004647.1, residues 62-82): VSTLVDDTSV[Ile72Met]DDDIVNNMFF

ClinVar aggregate classification (germline): Uncertain significance (1 of 4 stars; one submission).

Conditions:
BAP1-related tumor predisposition syndrome (TPDS1). Also called: TUMOR PREDISPOSITION SYNDROME 1; Tumor susceptibility linked to germline BAP1 mutations; BAP1 tumor predisposition syndrome; COMMON Syndrome. Identifiers: Orphanet 289539, MedGen C3280492, MONDO:0013692, OMIM 614327.

Submission:

Labcorp Genetics (formerly Invitae), Labcorp
Classification: Uncertain significance for BAP1-related tumor predisposition syndrome. Last evaluated: 2025-03-02. Review status: criteria provided, single submitter. Criteria: Invitae Variant Classification Sherloc (09022015). Collection method: clinical testing. Allele origin: germline.
Comment: This sequence change replaces isoleucine, which is neutral and non-polar, with methionine, which is neutral and non-polar, at codon 72 of the BAP1 protein (p.Ile72Met). This variant is not present in population databases (gnomAD no frequency). This variant has not been reported in the literature in individuals affected with BAP1-related conditions. Invitae Evidence Modeling of protein sequence and biophysical properties (such as structural, functional, and spatial information, amino acid conservation, physicochemical variation, residue mobility, and thermodynamic stability) indicates that this missense variant is not expected to disrupt BAP1 protein function with a negative predictive value of 80%. In summary, the available evidence is currently insufficient to determine the role of this variant in disease. Therefore, it has been classified as a Variant of Uncertain Significance.